The following is an entry in ClinVar:

NM_000455.5(STK11):c.598-1G>T

Gene: STK11 (serine/threonine kinase 11; plus strand). Cytogenetic location: 19p13.3.
Variant type: single nucleotide variant.
Coding change: c.598-1G>T on transcript NM_000455.5 (MANE Select); the canonical splice acceptor site of the intron before coding-DNA position 598, G replaced by T.
Molecular consequence: splice acceptor variant.
Genome position (GRCh38, 1-based): chr19:1,220,580, G>T. VCF-style: chr19-1220580-G-T. GRCh37 (hg19) VCF-style: chr19-1220579-G-T.
Other names: c.598-1G>T (NM_001407255.1).
Identifiers: ClinVar variation 3323265 (VCV003323265.2).
Genomic context (GRCh38, chr19:1,220,580, plus strand): 5'-GGGGGGGCCCTGGGGCGCCCCCTCCCGGGCACTCCCTGAGGGCTGCACGGCACCGCCACA[G>T]GCACTGCACCCGTTCGCGGCGGACGACACCTGCCGGACCAGCCAGGGCTCCCCGGCTTTC-3'

ClinVar aggregate classification (germline): Likely pathogenic (1 of 4 stars; one submission).

Conditions:
Hereditary cancer-predisposing syndrome. Also called: Neoplastic Syndromes, Hereditary; Tumor predisposition; Hereditary neoplastic syndrome; Hereditary Cancer Syndrome. Identifiers: Orphanet 140162, MedGen C0027672, MeSH D009386, MONDO:0015356.

Submission:

Ambry Genetics
Classification: Likely pathogenic for Hereditary cancer-predisposing syndrome. Last evaluated: 2024-11-29. Review status: criteria provided, single submitter. Criteria: Ambry Variant Classification Scheme 2023. Collection method: clinical testing. Allele origin: germline.
Comment: The c.598-1G>T intronic variant results from a G to T substitution one nucleotide upstream from coding exon 5 of the STK11 gene. This nucleotide position is highly conserved in available vertebrate species. In silico splice site analysis predicts that this alteration will weaken the native splice acceptor site and may result in the creation or strengthening of a novel splice acceptor site; however, direct evidence is insufficient at this time (Ambry internal data). Alterations that disrupt the canonical splice site are expected to cause aberrant splicing, resulting in an abnormal protein or a transcript that is subject to nonsense-mediated mRNA decay. As such, this alteration is classified as likely pathogenic.